The following is an entry in ClinVar:

ClinVar aggregate classification (germline): Benign (1 of 4 stars; one submission).

Allele frequency attached by ClinVar (database versions not stated): 1000 Genomes Project 0.00260; 1000 Genomes Project 30x 0.00265; ESP Exome Variant Server 0.00515; TOPMed 0.00752; gnomAD 0.00776; ExAC 0.01070; gnomAD exomes 0.01447.
gnomAD v4.1: 19,317 of 1,424,284 alleles (1.4%); highest among the groups gnomAD compares: Non-Finnish European, 1.7%; 182 homozygotes.

Submission:

CeGaT Center for Human Genetics Tuebingen
Classification: Benign. Last evaluated: 2022-12-01. Review status: criteria provided, single submitter. Criteria: CeGaT Center For Human Genetics Tuebingen Variant Classification Criteria Version 2. Collection method: clinical testing. Allele origin: germline. Affected: yes. Observed: 1 variant allele.
Comment: RBBP8NL: BS1, BS2

NM_080833.3(RBBP8NL):c.800T>C (p.Leu267Pro)

Gene: RBBP8NL (RBBP8 N-terminal like; minus strand). Cytogenetic location: 20q13.33.
Variant type: single nucleotide variant.
Coding change: c.800T>C on transcript NM_080833.3 (MANE Select); coding-DNA position 800, T replaced by C.
Protein change: p.Leu267Pro; replaces leucine 267 with proline.
Molecular consequence: missense variant.
Genome position (GRCh38, 1-based): chr20:62,414,551, A>G on the plus strand (T>C on the coding strand, the complement: RBBP8NL is on the minus strand). VCF-style: chr20-62414551-A-G. GRCh37 (hg19) VCF-style: chr20-60989607-A-G.
Other names: short protein forms L267P.
Identifiers: ClinVar variation 2652496 (VCV002652496.24), dbSNP rs200738153, ClinGen allele CA9945670.
Genomic context (GRCh38, chr20:62,414,551, plus strand): 5'-TCCACCTTCGGGGAGAGCTTCGGGGCCTCATGGGTCATGGCGGAGGGCCGGGAGGCCCGC[A>G]GGAAGCTGTGAGGGAGGAGAAGCCGAATGACCATGGCTGTGTGGAGCCGTGACCGTCCCA-3'
Protein context (NP_543023.2, residues 257-277): YERGLSLDSF[Leu267Pro]RASRPSAMTH